The following is an entry in ClinVar:

NM_002485.5(NBN):c.1349A>C (p.Gln450Pro)

Gene: NBN (nibrin; minus strand). Cytogenetic location: 8q21.3.
Variant type: single nucleotide variant.
Coding change: c.1349A>C on transcript NM_002485.5 (MANE Select); coding-DNA position 1349, A replaced by C.
Protein change: p.Gln450Pro; replaces glutamine 450 with proline.
Molecular consequence: missense variant.
Genome position (GRCh38, 1-based): chr8:89,955,331, T>G on the plus strand (A>C on the coding strand, the complement: NBN is on the minus strand). VCF-style: chr8-89955331-T-G. GRCh37 (hg19) VCF-style: chr8-90967559-T-G.
Other names: c.1103A>C, p.Gln368Pro (NM_001024688.3); short protein forms Q368P, Q450P.
Identifiers: ClinVar variation 818919 (VCV000818919.8), dbSNP rs776210901, ClinGen allele CA371656055.

ClinVar aggregate classification (germline): Uncertain significance. Review status: criteria provided, multiple submitters, no conflicts (2 of 4 stars). 2 submissions from 2 submitters: Uncertain significance (2). Last evaluated 2021-11-14.

Conditions:
Microcephaly, normal intelligence and immunodeficiency (NBS). Also called: Nijmegen breakage syndrome; Microcephaly with normal intelligence immunodeficiency and lymphoreticular malignancies; Nonsyndromal microcephaly autosomal recessive with normal intelligence; Seemanova syndrome 2; Immunodeficiency, microcephaly with normal intelligence; Ataxia telangiectasia variant V1. Identifiers: Orphanet 647, MedGen C0398791, MONDO:0009623, OMIM 251260.
Hereditary cancer-predisposing syndrome. Also called: Hereditary Cancer Syndrome; Neoplastic Syndromes, Hereditary; Hereditary neoplastic syndrome; Tumor predisposition. Identifiers: Orphanet 140162, MedGen C0027672, MeSH D009386, MONDO:0015356.

Submissions (2):

Labcorp Genetics (formerly Invitae), Labcorp
Classification: Uncertain significance for Microcephaly, normal intelligence and immunodeficiency. Last evaluated: 2021-11-14. Review status: criteria provided, single submitter. Criteria: Invitae Variant Classification Sherloc (09022015). Collection method: clinical testing. Allele origin: germline.
Comment: In summary, the available evidence is currently insufficient to determine the role of this variant in disease. Therefore, it has been classified as a Variant of Uncertain Significance. Algorithms developed to predict the effect of missense changes on protein structure and function are either unavailable or do not agree on the potential impact of this missense change (SIFT: "Deleterious"; PolyPhen-2: "Benign"; Align-GVGD: "Class C0"). ClinVar contains an entry for this variant (Variation ID: 818919). This variant has not been reported in the literature in individuals affected with NBN-related conditions. This variant is not present in population databases (gnomAD no frequency). This sequence change replaces glutamine, which is neutral and polar, with proline, which is neutral and non-polar, at codon 450 of the NBN protein (p.Gln450Pro).

Ambry Genetics
Classification: Uncertain significance for Hereditary cancer-predisposing syndrome. Last evaluated: 2019-02-13. Review status: criteria provided, single submitter. Criteria: Ambry Variant Classification Scheme 2023. Collection method: clinical testing. Allele origin: germline.
Comment: The p.Q450P variant (also known as c.1349A>C), located in coding exon 10 of the NBN gene, results from an A to C substitution at nucleotide position 1349. The glutamine at codon 450 is replaced by proline, an amino acid with similar properties. This amino acid position is not well conserved in available vertebrate species. In addition, this alteration is predicted to be tolerated by in silico analysis. Since supporting evidence is limited at this time, the clinical significance of this alteration remains unclear.